The following is an entry in ClinVar:

NM_006904.7(PRKDC):c.629C>T (p.Ser210Leu)

Gene: PRKDC (protein kinase, DNA-activated, catalytic subunit; minus strand). Cytogenetic location: 8q11.21.
Variant type: single nucleotide variant.
Coding change: c.629C>T on transcript NM_006904.7 (MANE Select); coding-DNA position 629, C replaced by T.
Protein change: p.Ser210Leu; replaces serine 210 with leucine.
Molecular consequence: missense variant.
Genome position (GRCh38, 1-based): chr8:47,953,712, G>A on the plus strand (C>T on the coding strand, the complement: PRKDC is on the minus strand). VCF-style: chr8-47953712-G-A. GRCh37 (hg19) VCF-style: chr8-48866272-G-A.
Other names: c.629C>T, p.Ser210Leu (NM_001081640.2); short protein forms S210L.
Identifiers: ClinVar variation 3310049 (VCV003310049.1).
Genomic context (GRCh38, chr8:47,953,712, plus strand): 5'-AGTGAGGACAACCCCTTCAGACATCCTGCCAGAACAGGTAGTTTGGGCTCTCTTACTGCT[G>A]ATGTCATCTAAAAGAAAAGATTTAAGAAGATGTCATTACAAGAGAAAAACACAACCACAT-3'
Protein context (NP_008835.5, residues 200-220): FLGELKTQMT[Ser210Leu]AVREPKLPVL

ClinVar aggregate classification (germline): Uncertain significance (1 of 4 stars; one submission).

Submission:

Ambry Genetics
Classification: Uncertain significance. Last evaluated: 2024-04-27. Review status: criteria provided, single submitter. Criteria: Ambry Variant Classification Scheme 2023. Collection method: clinical testing. Allele origin: germline.
Comment: The p.S210L variant (also known as c.629C>T), located in coding exon 7 of the PRKDC gene, results from a C to T substitution at nucleotide position 629. The serine at codon 210 is replaced by leucine, an amino acid with dissimilar properties. This amino acid position is conserved. In addition, this alteration is predicted to be tolerated by in silico analysis. Based on the available evidence, the clinical significance of this variant remains unclear.